The following is an entry in ClinVar:

ClinVar aggregate classification (germline): Uncertain significance. Review status: criteria provided, multiple submitters, no conflicts (2 of 4 stars). 2 submissions from 2 submitters: Uncertain significance (2). Last evaluated 2025-08-08.

Allele frequency attached by ClinVar (database versions not stated): gnomAD 0.00001; gnomAD exomes 0.00001; TOPMed 0.00001; ExAC 0.00002.
gnomAD v4.1: 20 of 1,598,942 alleles (0.0013%); highest among the groups gnomAD compares: Admixed American, 0.0017%; no homozygotes.

Submissions (2):

Ambry Genetics
Classification: Uncertain significance. Last evaluated: 2025-08-08. Review status: criteria provided, single submitter. Criteria: Ambry Variant Classification Scheme 2023. Collection method: clinical testing. Allele origin: germline.

Labcorp Genetics (formerly Invitae), Labcorp
Classification: Uncertain significance. Last evaluated: 2023-12-06. Review status: criteria provided, single submitter. Criteria: Invitae Variant Classification Sherloc (09022015). Collection method: clinical testing. Allele origin: germline.
Comment: This sequence change replaces arginine, which is basic and polar, with glutamine, which is neutral and polar, at codon 213 of the NUP85 protein (p.Arg213Gln). This variant is present in population databases (rs757747257, gnomAD 0.002%). This variant has not been reported in the literature in individuals affected with NUP85-related conditions. ClinVar contains an entry for this variant (Variation ID: 1461054). An algorithm developed to predict the effect of missense changes on protein structure and function (PolyPhen-2) suggests that this variant is likely to be tolerated. In summary, the available evidence is currently insufficient to determine the role of this variant in disease. Therefore, it has been classified as a Variant of Uncertain Significance.

NM_024844.5(NUP85):c.638G>A (p.Arg213Gln)

Gene: NUP85 (nucleoporin 85; plus strand). Cytogenetic location: 17q25.1.
Variant type: single nucleotide variant.
Coding change: c.638G>A on transcript NM_024844.5 (MANE Select); coding-DNA position 638, G replaced by A.
Protein change: p.Arg213Gln; replaces arginine 213 with glutamine.
Molecular consequence: missense variant. On other transcripts: intron variant (1).
Genome position (GRCh38, 1-based): chr17:75,225,143, G>A. VCF-style: chr17-75225143-G-A. GRCh37 (hg19) VCF-style: chr17-73221238-G-A.
Other names: c.500G>A, p.Arg167Gln (NM_001303276.2); c.598-199G>A (NM_001330472.2); c.638G>A (NM_024844.3); short protein forms R167Q, R213Q.
Identifiers: ClinVar variation 1461054 (VCV001461054.7), dbSNP rs757747257, ClinGen allele CA8758557.